The following is an entry in ClinVar:

ClinVar aggregate classification (germline): Pathogenic (1 of 4 stars; one submission).

Conditions:
Hereditary cancer-predisposing syndrome. Also called: Neoplastic Syndromes, Hereditary; Tumor predisposition; Hereditary Cancer Syndrome; Hereditary neoplastic syndrome. Identifiers: Orphanet 140162, MedGen C0027672, MeSH D009386, MONDO:0015356.

Submission:

Ambry Genetics
Classification: Pathogenic for Hereditary cancer-predisposing syndrome. Last evaluated: 2019-04-30. Review status: criteria provided, single submitter. Criteria: Ambry Variant Classification Scheme 2023. Collection method: clinical testing. Allele origin: germline.
Comment: The c.1755dupT pathogenic mutation, located in coding exon 13 of the PTCH1 gene, results from a duplication of T at nucleotide position 1755, causing a translational frameshift with a predicted alternate stop codon (p.A586Cfs*41). This alteration is expected to result in loss of function by premature protein truncation or nonsense-mediated mRNA decay. As such, this alteration is interpreted as a disease-causing mutation.

NM_000264.5(PTCH1):c.1755dup (p.Ala586fs)

Genes: PTCH1 (patched 1; minus strand), LOC100507346 (uncharacterized LOC100507346; plus strand). Cytogenetic location: 9q22.32.
Variant type: Duplication.
Coding change: c.1755dup on transcript NM_000264.5 (MANE Select); coding-DNA position 1755, one base duplicated (T; older notation c.1755dupT).
Protein change: p.Ala586fs; shifts the reading frame from alanine 586.
Molecular consequence: frameshift variant. On other transcripts: non-coding transcript variant (2).
Genome position (GRCh38, 1-based): chr9:95,469,905, A duplicated on the plus strand (T on the coding strand, the reverse complement: PTCH1 is on the minus strand); the first of 4 consecutive A bases (chr9:95,469,905-95,469,908); duplicating any one gives the same sequence. VCF-style (leftmost placement, unchanged base first): chr9-95469904-C-CA. GRCh37 (hg19) VCF-style: chr9-98232186-C-CA.
Other names: c.1557dup, p.Ala520fs (NM_001083602.3); c.1752dup, p.Ala585fs (NM_001083603.3); c.1302dup, p.Ala435fs (NM_001083604.3, NM_001083605.3, NM_001083606.3 and 1 more transcripts); c.1599dup, p.Ala534fs (NM_001354918.2); c.1755dupT (NM_000264.3); short protein forms A520fs, A586fs, A435fs, A585fs, A534fs.
Identifiers: ClinVar variation 1779463 (VCV001779463.2), dbSNP rs2538159743, ClinGen allele CA2580080880.